The following is an entry in ClinVar:

NM_013266.4(CTNNA3):c.758C>A (p.Ser253Ter)

Gene: CTNNA3 (catenin alpha 3; minus strand). Cytogenetic location: 10q21.3.
Variant type: single nucleotide variant.
Coding change: c.758C>A on transcript NM_013266.4 (MANE Select); coding-DNA position 758, C replaced by A.
Protein change: p.Ser253Ter; replaces serine 253 with a stop codon.
Molecular consequence: nonsense.
Genome position (GRCh38, 1-based): chr10:67,219,692, G>T on the plus strand (C>A on the coding strand, the complement: CTNNA3 is on the minus strand). VCF-style: chr10-67219692-G-T. GRCh37 (hg19) VCF-style: chr10-68979450-G-T.
Other names: c.758C>A, p.Ser253Ter (NM_001127384.3); c.794C>A, p.Ser265Ter (NM_001291133.2); short protein forms S265*, S253*.
Identifiers: ClinVar variation 2833890 (VCV002833890.3), dbSNP rs2548039745, ClinGen allele CA377097318.
Genomic context (GRCh38, chr10:67,219,692, plus strand): 5'-AGGGTTGCTGCCTGAGGTTCTGGTGGGGTTGTCATATTCTGGATCCCTTGTGAAGCATTT[G>T]AAATTACATTGAGAGCATTCTGAATTTCTTCACAAACTGTGTCCTTGCTTGCTTTGAGGG-3'

ClinVar aggregate classification (germline): Uncertain significance (1 of 4 stars; one submission).

Conditions:
Arrhythmogenic right ventricular dysplasia 13. Also called: ARRHYTHMOGENIC RIGHT VENTRICULAR CARDIOMYOPATHY 13; Arrhythmogenic right ventricular dysplasia, familial, 13. Identifiers: MedGen C3810138, MONDO:0000908, OMIM 615616.

Submission:

Labcorp Genetics (formerly Invitae), Labcorp
Classification: Uncertain significance for Arrhythmogenic right ventricular dysplasia 13. Last evaluated: 2023-02-02. Review status: criteria provided, single submitter. Criteria: Invitae Variant Classification Sherloc (09022015). Collection method: clinical testing. Allele origin: germline.
Comment: This variant is not present in population databases (gnomAD no frequency). This sequence change creates a premature translational stop signal (p.Ser253*) in the CTNNA3 gene. It is expected to result in an absent or disrupted protein product. However, the current clinical and genetic evidence is not sufficient to establish whether loss-of-function variants in CTNNA3 cause disease. This variant has not been reported in the literature in individuals affected with CTNNA3-related conditions. In summary, the available evidence is currently insufficient to determine the role of this variant in disease. Therefore, it has been classified as a Variant of Uncertain Significance.